The following is an entry in ClinVar:

ClinVar aggregate classification (germline): Uncertain significance. Review status: criteria provided, multiple submitters, no conflicts (2 of 4 stars). 2 submissions from 2 submitters: Uncertain significance (2). Last evaluated 2025-09-07.

Conditions:
Familial thoracic aortic aneurysm and aortic dissection (TAAD). Also called: Thoracic aortic aneurysms and dissections. Identifiers: Orphanet 91387, MedGen C4707243, MONDO:0019625.
Congenital contractural arachnodactyly (CCA). Also called: Beals-Hecht syndrome; BEALS SYNDROME; Arthrogryposis, distal, type 9. Identifiers: Orphanet 115, MedGen C0220668, MONDO:0007363, OMIM 121050.

Allele frequency attached by ClinVar (database versions not stated): TOPMed 0.00002; gnomAD 0.00003.
gnomAD v4.1: 8 of 1,613,902 alleles (0.0005%); highest among the groups gnomAD compares: Non-Finnish European, 0.00068%; no homozygotes.

Submissions (2):

Labcorp Genetics (formerly Invitae), Labcorp
Classification: Uncertain significance for Congenital contractural arachnodactyly. Last evaluated: 2025-09-07. Review status: criteria provided, single submitter. Criteria: Invitae Variant Classification Sherloc (09022015). Collection method: clinical testing. Allele origin: germline.
Comment: This sequence change creates a premature translational stop signal (p.Gln1224*) in the FBN2 gene. It is expected to result in an absent or disrupted protein product. However, the current clinical and genetic evidence is not sufficient to establish whether loss-of-function variants in FBN2 cause disease. This variant is not present in population databases (gnomAD no frequency). This variant has not been reported in the literature in individuals affected with FBN2-related conditions. ClinVar contains an entry for this variant (Variation ID: 213315). In summary, the available evidence is currently insufficient to determine the role of this variant in disease. Therefore, it has been classified as a Variant of Uncertain Significance.

Ambry Genetics
Classification: Uncertain significance for Familial thoracic aortic aneurysm and aortic dissection. Last evaluated: 2020-04-20. Review status: criteria provided, single submitter. Criteria: Ambry Variant Classification Scheme 2023. Collection method: clinical testing. Allele origin: germline.
Comment: The p.Q1224* variant (also known as c.3670C>T), located in coding exon 28 of the FBN2 gene, results from a C to T substitution at nucleotide position 3670. This changes the amino acid from a glutamine to a stop codon within coding exon 28. This alteration is expected to result in premature protein truncation or nonsense-mediated mRNA decay. However, loss of function of FBN2 has not been clearly established as a mechanism of disease. Since supporting evidence is limited at this time, the clinical significance of this alteration remains unclear

NM_001999.4(FBN2):c.3670C>T (p.Gln1224Ter)

Gene: FBN2 (fibrillin 2; minus strand). Cytogenetic location: 5q23.3.
Variant type: single nucleotide variant.
Coding change: c.3670C>T on transcript NM_001999.4 (MANE Select); coding-DNA position 3670, C replaced by T.
Protein change: p.Gln1224Ter; replaces glutamine 1224 with a stop codon.
Molecular consequence: nonsense.
Genome position (GRCh38, 1-based): chr5:128,336,042, G>A on the plus strand (C>T on the coding strand, the complement: FBN2 is on the minus strand). VCF-style: chr5-128336042-G-A. GRCh37 (hg19) VCF-style: chr5-127671734-G-A.
Other names: short protein forms Q1224*.
Identifiers: ClinVar variation 213315 (VCV000213315.12), dbSNP rs863223569, ClinGen allele CA320061.